The following is an entry in ClinVar:

ClinVar aggregate classification (germline): Uncertain significance (1 of 4 stars; one submission).

Conditions:
Fanconi anemia (FA). Also called: Fanconi's anemia. Identifiers: Orphanet 84, MedGen C0015625, MeSH D005199, MONDO:0019391.

gnomAD v4.1: 1 of 1,209,468 alleles (0.000083%); highest among the groups gnomAD compares: Admixed American, 0.0022%; no homozygotes.

Submission:

Labcorp Genetics (formerly Invitae), Labcorp
Classification: Uncertain significance for Fanconi anemia. Last evaluated: 2022-06-09. Review status: criteria provided, single submitter. Criteria: Invitae Variant Classification Sherloc (09022015). Collection method: clinical testing. Allele origin: germline.
Comment: In summary, the available evidence is currently insufficient to determine the role of this variant in disease. Therefore, it has been classified as a Variant of Uncertain Significance. Algorithms developed to predict the effect of missense changes on protein structure and function (SIFT, PolyPhen-2, Align-GVGD) all suggest that this variant is likely to be tolerated. This variant has not been reported in the literature in individuals affected with FANCB-related conditions. This variant is not present in population databases (gnomAD no frequency). This sequence change replaces valine, which is neutral and non-polar, with leucine, which is neutral and non-polar, at codon 674 of the FANCB protein (p.Val674Leu).

NM_001018113.3(FANCB):c.2020G>C (p.Val674Leu)

Gene: FANCB (FA complementation group B; minus strand). Cytogenetic location: Xp22.2.
Variant type: single nucleotide variant.
Coding change: c.2020G>C on transcript NM_001018113.3 (MANE Select); coding-DNA position 2020, G replaced by C.
Protein change: p.Val674Leu; replaces valine 674 with leucine.
Molecular consequence: missense variant.
Genome position (GRCh38, 1-based): chrX:14,844,648, C>G on the plus strand (G>C on the coding strand, the complement: FANCB is on the minus strand). VCF-style: chrX-14844648-C-G. GRCh37 (hg19) VCF-style: chrX-14862770-C-G.
Other names: c.2020G>C, p.Val674Leu (NM_001324162.2, NM_152633.4); short protein forms V674L.
Identifiers: ClinVar variation 1365711 (VCV001365711.6), dbSNP rs2092368233, ClinGen allele CA412438761.
Genomic context (GRCh38, chrX:14,844,648, plus strand): 5'-AAAAGTACACTTCTGGAAATTCTTTGATTATTTCACATTTCATATGTTCTAAGAGCCACA[C>G]CTTCATTGAATTCAGGGCATAGCCGGGTGATGTGATTTGAAAACAAGATTTATGGAATGC-3'
Protein context (NP_001018123.1, residues 664-684): SPGYALNSMK[Val674Leu]WLLEHMKCEI